The following is an entry in ClinVar:

NM_005589.4(ALDH6A1):c.319C>T (p.Arg107Cys)

Genes: ALDH6A1 (aldehyde dehydrogenase 6 family member A1; minus strand), BBOF1 (basal body orientation factor 1; plus strand). Cytogenetic location: 14q24.3.
Variant type: single nucleotide variant.
Coding change: c.319C>T on transcript NM_005589.4 (MANE Select); coding-DNA position 319, C replaced by T.
Protein change: p.Arg107Cys; replaces arginine 107 with cysteine.
Molecular consequence: missense variant. On other transcripts: 5 prime UTR variant (1), intron variant (1).
Genome position (GRCh38, 1-based): chr14:74,072,232, G>A on the plus strand (C>T on the coding strand, the complement: ALDH6A1 is on the minus strand). VCF-style: chr14-74072232-G-A. GRCh37 (hg19) VCF-style: chr14-74538935-G-A.
Other names: c.-307C>T (NM_001278594.2); c.309+10C>T (NM_001278593.2); short protein forms R107C.
Identifiers: ClinVar variation 1955630 (VCV001955630.5), dbSNP rs974642519, ClinGen allele CA263546729.

ClinVar aggregate classification (germline): Uncertain significance (1 of 4 stars; one submission).

Allele frequency attached by ClinVar (database versions not stated): TOPMed below 0.00001; gnomAD exomes 0.00002.
gnomAD v4.1: 23 of 1,614,184 alleles (0.0014%); highest among the groups gnomAD compares: East Asian, 0.0022%; no homozygotes.

Submission:

Labcorp Genetics (formerly Invitae), Labcorp
Classification: Uncertain significance. Last evaluated: 2022-04-24. Review status: criteria provided, single submitter. Criteria: Invitae Variant Classification Sherloc (09022015). Collection method: clinical testing. Allele origin: germline.
Comment: In summary, the available evidence is currently insufficient to determine the role of this variant in disease. Therefore, it has been classified as a Variant of Uncertain Significance. Advanced modeling of protein sequence and biophysical properties (such as structural, functional, and spatial information, amino acid conservation, physicochemical variation, residue mobility, and thermodynamic stability) performed at Invitae indicates that this missense variant is not expected to disrupt ALDH6A1 protein function. This variant has not been reported in the literature in individuals affected with ALDH6A1-related conditions. This variant is present in population databases (no rsID available, gnomAD 0.003%). This sequence change replaces arginine, which is basic and polar, with cysteine, which is neutral and slightly polar, at codon 107 of the ALDH6A1 protein (p.Arg107Cys).